The following is an entry in ClinVar:

ClinVar aggregate classification (germline): Pathogenic/Likely pathogenic. Review status: criteria provided, multiple submitters, no conflicts (2 of 4 stars). 2 submissions from 2 submitters: Pathogenic (1); Likely pathogenic (1). Last evaluated 2022-07-15.

Conditions:
Birt-Hogg-Dube syndrome. Also called: Birt Hogg Dubé syndrome. Identifiers: Orphanet 122, MedGen C0346010, MONDO:0800444.

Submissions (2):

Labcorp Genetics (formerly Invitae), Labcorp
Classification: Pathogenic for Birt-Hogg-Dube syndrome. Last evaluated: 2022-07-15. Review status: criteria provided, single submitter. Criteria: Invitae Variant Classification Sherloc (09022015). Collection method: clinical testing. Allele origin: germline.
Comment: This variant has not been reported in the literature in individuals affected with FLCN-related conditions. This variant is not present in population databases (gnomAD no frequency). This sequence change creates a premature translational stop signal (p.Ala412Argfs*57) in the FLCN gene. It is expected to result in an absent or disrupted protein product. Loss-of-function variants in FLCN are known to be pathogenic (PMID: 15852235). For these reasons, this variant has been classified as Pathogenic.

Mayo Clinic Laboratories, Mayo Clinic
Classification: Likely pathogenic. Last evaluated: 2022-03-15. Review status: criteria provided, single submitter. Criteria: ACMG Guidelines, 2015. Collection method: clinical testing. Allele origin: germline. Observed: 1 variant allele.
Comment: PM2, PVS1

Literature cited by the submitters: PubMed 15852235 (cited by Labcorp Genetics (formerly Invitae), Labcorp).

NM_144997.7(FLCN):c.1232_1233dup (p.Ala412fs)

Gene: FLCN (folliculin; minus strand). Cytogenetic location: 17p11.2.
Variant type: Duplication.
Coding change: c.1232_1233dup on transcript NM_144997.7 (MANE Select); coding-DNA positions 1232 to 1233, 2 bases duplicated (AG; older notation c.1232_1233dupAG).
Protein change: p.Ala412fs; shifts the reading frame from alanine 412.
Molecular consequence: frameshift variant.
Genome position (GRCh38, 1-based): chr17:17,216,447-17,216,448, CT duplicated on the plus strand (AG on the coding strand, the reverse complement: FLCN is on the minus strand); duplicating any 2 consecutive bases within chr17:17,216,447-17,216,449 gives the same sequence; the c. name uses the placement nearest the transcript's 3' end. VCF-style (leftmost placement, unchanged base first): chr17-17216446-C-CCT. GRCh37 (hg19) VCF-style: chr17-17119760-C-CCT.
Other names: p.Ala412Argfs*57; c.1286_1287dup, p.Ala430fs (NM_001353229.2); c.1232_1233dup, p.Ala412fs (NM_001353230.2, NM_001353231.2); short protein forms A412fs, A430fs.
Identifiers: ClinVar variation 2004659 (VCV002004659.5), dbSNP rs2544163066, ClinGen allele CA2580092722.